The following is an entry in ClinVar:

ClinVar aggregate classification (germline): Uncertain significance (1 of 4 stars; one submission).

Conditions:
Arrhythmogenic right ventricular dysplasia 13. Also called: ARRHYTHMOGENIC RIGHT VENTRICULAR CARDIOMYOPATHY 13; Arrhythmogenic right ventricular dysplasia, familial, 13. Identifiers: MedGen C3810138, MONDO:0000908, OMIM 615616.

Submission:

Labcorp Genetics (formerly Invitae), Labcorp
Classification: Uncertain significance for Arrhythmogenic right ventricular dysplasia 13. Last evaluated: 2025-08-03. Review status: criteria provided, single submitter. Criteria: Invitae Variant Classification Sherloc (09022015). Collection method: clinical testing. Allele origin: germline.
Comment: This sequence change falls in intron 8 of the CTNNA3 gene. It does not directly change the encoded amino acid sequence of the CTNNA3 protein. It affects a nucleotide within the consensus splice site. This variant is not present in population databases (gnomAD no frequency). This variant has not been reported in the literature in individuals affected with CTNNA3-related conditions. Variants that disrupt the consensus splice site are a relatively common cause of aberrant splicing (PMID: 17576681, 9536098). Algorithms developed to predict the effect of sequence changes on RNA splicing suggest that this variant is not likely to affect RNA splicing. In summary, the available evidence is currently insufficient to determine the role of this variant in disease. Therefore, it has been classified as a Variant of Uncertain Significance.

Literature cited by the submitters: PubMed 17576681; PubMed 9536098.

NM_013266.4(CTNNA3):c.1128+4A>G

Gene: CTNNA3 (catenin alpha 3; minus strand). Cytogenetic location: 10q21.3.
Variant type: single nucleotide variant.
Coding change: c.1128+4A>G on transcript NM_013266.4 (MANE Select); 4 bases into the intron after coding-DNA position 1128, A replaced by G.
Molecular consequence: intron variant.
Genome position (GRCh38, 1-based): chr10:66,775,440, T>C on the plus strand (A>G on the coding strand, the complement: CTNNA3 is on the minus strand). VCF-style: chr10-66775440-T-C. GRCh37 (hg19) VCF-style: chr10-68535198-T-C.
Other names: c.1128+4A>G (NM_001127384.3).
Identifiers: ClinVar variation 4739340 (VCV004739340.1).